The following is an entry in ClinVar:

NM_001367624.2(ZNF469):c.3559_3570del (p.Gly1187_Lys1190del)

Gene: ZNF469 (zinc finger protein 469; plus strand). Cytogenetic location: 16q24.2.
Variant type: Deletion.
Coding change: c.3559_3570del on transcript NM_001367624.2 (MANE Select); coding-DNA positions 3559 to 3570, 12 bases deleted (GGAGGCCCCAAG).
Protein change: p.Gly1187_Lys1190del.
Molecular consequence: inframe deletion.
Genome position (GRCh38, 1-based): chr16:88,431,029-88,431,040, GGAGGCCCCAAG deleted; deleting any 12 consecutive bases within chr16:88,431,027-88,431,040 gives the same sequence; the c. name uses the placement nearest the transcript's 3' end. VCF-style (leftmost placement, unchanged base first): chr16-88431026-GAGGGAGGCCCCA-G. GRCh37 (hg19) VCF-style: chr16-88497434-GAGGGAGGCCCCA-G.
Other names: p.Gly1187_Lys1190del.
Identifiers: ClinVar variation 1437923 (VCV001437923.8), dbSNP rs1041170578, ClinGen allele CA286375012.
Genomic context (GRCh38, chr16:88,431,026, plus strand): 5'-GGCAGGAGCCCTCAGGCCCGTGGCCCGTCTCGAAGCCTGGAGACGGGAGCGGCCGCCAGG[GAGGGAGGCCCCA>G]AGTGTGCTGATCGCCCCTCAGTGGCCCCCAAGGATCCCCTGCAGGTCCCCACCAACACCG-3'

ClinVar aggregate classification (germline): Uncertain significance. Review status: criteria provided, multiple submitters, no conflicts (2 of 4 stars). 2 submissions from 2 submitters: Uncertain significance (2). Last evaluated 2025-11-19.

Submissions (2):

Labcorp Genetics (formerly Invitae), Labcorp
Classification: Uncertain significance. Last evaluated: 2025-11-19. Review status: criteria provided, single submitter. Criteria: Invitae Variant Classification Sherloc (09022015). Collection method: clinical testing. Allele origin: germline.
Comment: This variant, c.3475_3486del, results in the deletion of 4 amino acid(s) of the ZNF469 protein (p.Gly1159_Lys1162del), but otherwise preserves the integrity of the reading frame. This variant is present in population databases (no rsID available, gnomAD 0.008%). This variant has not been reported in the literature in individuals affected with ZNF469-related conditions. ClinVar contains an entry for this variant (Variation ID: 1437923). Experimental studies and prediction algorithms are not available or were not evaluated, and the functional significance of this variant is currently unknown. In summary, the available evidence is currently insufficient to determine the role of this variant in disease. Therefore, it has been classified as a Variant of Uncertain Significance.

Mayo Clinic Laboratories, Mayo Clinic
Classification: Uncertain significance. Last evaluated: 2025-10-17. Review status: criteria provided, single submitter. Criteria: ACMG Guidelines, 2015. Collection method: clinical testing. Allele origin: germline. Observed: 1 variant allele.
Comment: PM2_supporting, PM4